The following is an entry in ClinVar:

NM_000055.4(BCHE):c.666_669del (p.Phe223fs)

Gene: BCHE (butyrylcholinesterase; minus strand). Cytogenetic location: 3q26.1.
Variant type: Deletion.
Coding change: c.666_669del on transcript NM_000055.4 (MANE Select); coding-DNA positions 666 to 669, 4 bases deleted (CTTT; older notation c.666_669delCTTT).
Protein change: p.Phe223fs; shifts the reading frame from phenylalanine 223.
Molecular consequence: frameshift variant. On other transcripts: non-coding transcript variant (1).
Genome position (GRCh38, 1-based): chr3:165,830,365-165,830,368, AAAG deleted on the plus strand (CTTT on the coding strand, the reverse complement: BCHE is on the minus strand); deleting any 4 consecutive bases within chr3:165,830,365-165,830,369 gives the same sequence; the c. name uses the placement nearest the transcript's 3' end. VCF-style (leftmost placement, unchanged base first): chr3-165830364-CAAAG-C. GRCh37 (hg19) VCF-style: chr3-165548152-CAAAG-C.
Other names: short protein forms F223fs.
Identifiers: ClinVar variation 5006578 (VCV005006578.2).
Genomic context (GRCh38, chr3:165,830,364, plus strand): 5'-ATGAATGGCTTCCAGGAGAAAGCAAATGCAGGCTAACTGAAGCTGCTCCTGCACTTTCTC[CAAAG>C]AGAGTTACACTTTTAGGATTTCCACCAAAGGCTGCTATATTTTTTTGAACCCACTGAAGA-3'

ClinVar aggregate classification (germline): Likely pathogenic (1 of 4 stars; one submission).

Conditions:
Deficiency of butyrylcholinesterase (BCHED). Also called: Acholinesterasemia; Deficiency of butyrylcholine esterase; BCHE, silent 1; Butyrylcholinesterase deficiency. Identifiers: Orphanet 132, MedGen C1283400, MONDO:0015270, OMIM 617936.

Submission:

Juno Genomics, Hangzhou Juno Genomics, Inc
Classification: Likely pathogenic for Deficiency of butyrylcholinesterase. Review status: criteria provided, single submitter. Criteria: ACMG Guidelines, 2015. Collection method: clinical testing. Allele origin: germline.
Comment: Null variant in a gene where loss of function (LOF) is a known mechanism of disease.;Absent from controls (or at extremely low frequency if recessive) in Genome Aggregation Database.